The following is an entry in ClinVar:

NM_006648.4(WNK2):c.79G>A (p.Ala27Thr)

Gene: WNK2 (WNK lysine deficient protein kinase 2; plus strand). Cytogenetic location: 9q22.31.
Variant type: single nucleotide variant.
Coding change: c.79G>A on transcript NM_006648.4 (MANE Select); coding-DNA position 79, G replaced by A.
Protein change: p.Ala27Thr; replaces alanine 27 with threonine.
Molecular consequence: missense variant.
Genome position (GRCh38, 1-based): chr9:93,185,008, G>A. VCF-style: chr9-93185008-G-A. GRCh37 (hg19) VCF-style: chr9-95947290-G-A.
Other names: c.79G>A, p.Ala27Thr (NM_001282394.3); short protein forms A27T.
Identifiers: ClinVar variation 4201725 (VCV004201725.1).

ClinVar aggregate classification (germline): Uncertain significance (1 of 4 stars; one submission).

Submission:

Ambry Genetics
Classification: Uncertain significance. Last evaluated: 2025-08-08. Review status: criteria provided, single submitter. Criteria: Ambry Variant Classification Scheme 2023. Collection method: clinical testing. Allele origin: germline.
Comment: The p.A27T variant (also known as c.79G>A), located in coding exon 1 of the WNK2 gene, results from a G to A substitution at nucleotide position 79. The alanine at codon 27 is replaced by threonine, an amino acid with similar properties. This amino acid position is conserved. In addition, this alteration is predicted to be tolerated by in silico analysis. Based on the available evidence, the clinical significance of this variant remains unclear.